The following is an entry in ClinVar:

NM_000044.6(AR):c.1035_1038del (p.Leu347fs)

Gene: AR (androgen receptor; plus strand). Cytogenetic location: Xq12.
Variant type: Deletion.
Coding change: c.1035_1038del on transcript NM_000044.6 (MANE Select); coding-DNA positions 1035 to 1038, 4 bases deleted (GTCT; older notation c.1035_1038delGTCT).
Protein change: p.Leu347fs; shifts the reading frame from leucine 347.
Molecular consequence: frameshift variant. On other transcripts: 5 prime UTR variant (1).
Genome position (GRCh38, 1-based): chrX:67,546,181-67,546,184, GTCT deleted; deleting any 4 consecutive bases within chrX:67,546,179-67,546,184 gives the same sequence; the c. name uses the placement nearest the transcript's 3' end. VCF-style (leftmost placement, unchanged base first): chrX-67546178-CCTGT-C. GRCh37 (hg19) VCF-style: chrX-66766020-CCTGT-C.
Other names: c.-749_-746del (NM_001011645.3); c.1035_1038del, p.Leu347fs (NM_001348061.1, NM_001348063.1, NM_001348064.1); short protein forms L347fs.
Identifiers: ClinVar variation 817617 (VCV000817617.1), dbSNP rs1602144428, ClinGen allele CA915951143.

ClinVar aggregate classification (germline): Pathogenic (1 of 4 stars; one submission).

Submission:

GeneDx
Classification: Pathogenic. Last evaluated: 2018-11-30. Review status: criteria provided, single submitter. Criteria: GeneDx Variant Classification (06012015). Collection method: clinical testing. Allele origin: germline. Affected: yes.
Comment: The c.1035_1038delGTCT variant in the AR gene has been reported previously in a French publication in an individual with complete androgen insensitivity syndrome; please note this variant was reported as c.1029_1032del using alternate nomenclature (Bel Hadj Youssef et al., 2008). The c.1035_1038delGTCT variant causes a frameshift starting with codon Leucine 347, changes this amino acid to a Threonine residue, and creates a premature Stop codon at position 131 of the new reading frame, denoted p.Leu347ThrfsX131. This variant is predicted to cause loss of normal protein function either through protein truncation or nonsense-mediated mRNA decay. The c.1035_1038delGTCT variant is not observed in large population cohorts (Lek et al., 2016). We interpret c.1035_1038delGTCT as a pathogenic variant.